The following is an entry in ClinVar:

NM_000157.4(GBA1):c.1351T>C (p.Tyr451His)

Genes: GBA1 (glucosylceramidase beta 1; minus strand), LOC106627981 (GBA recombination region; plus strand). Cytogenetic location: 1q22.
Variant type: single nucleotide variant.
Coding change: c.1351T>C on transcript NM_000157.4 (MANE Select); coding-DNA position 1351, T replaced by C.
Protein change: p.Tyr451His; replaces tyrosine 451 with histidine.
Molecular consequence: missense variant.
Genome position (GRCh38, 1-based): chr1:155,235,718, A>G on the plus strand (T>C on the coding strand, the complement: GBA1 is on the minus strand). VCF-style: chr1-155235718-A-G. GRCh37 (hg19) VCF-style: chr1-155205509-A-G.
Other names: c.1351T>C, p.Tyr451His (NM_001005741.3, NM_001005742.3); c.1090T>C, p.Tyr364His (NM_001171811.2); c.1204T>C, p.Tyr402His (NM_001171812.2); short protein forms Y364H, Y402H, Y451H.
Identifiers: ClinVar variation 4849105 (VCV004849105.1).

ClinVar aggregate classification (germline): Uncertain significance (1 of 4 stars; one submission).

Submission:

Women's Health and Genetics/Laboratory Corporation of America, LabCorp
Classification: Uncertain significance. Last evaluated: 2026-04-24. Review status: criteria provided, single submitter. Criteria: LabCorp Variant Classification Summary - May 2015. Collection method: clinical testing. Allele origin: germline.
Comment: Variant summary: GBA1 c.1351T>C (p.Tyr451His) results in a conservative amino acid change in the encoded protein sequence. Algorithms developed to predict the effect of missense changes on protein structure and function are either unavailable or do not agree on the potential impact of this missense change. The variant was absent in 248410 control chromosomes. The available data on variant occurrences in the general population are insufficient to allow any conclusion about variant significance. c.1351T>C has been observed in a compound heterozygous individual affected with Gaucher Disease (1998). These data do not allow any conclusion about variant significance. To our knowledge, no experimental evidence demonstrating an impact on protein function has been reported. The following publication have been ascertained in the context of this evaluation (PMID: 9554746). No submitters have cited clinical-significance assessments for this variant to ClinVar. Based on the evidence outlined above, the variant was classified as uncertain significance.

Literature cited by the submitters: PubMed 9554746.